The following is an entry in ClinVar:

ClinVar aggregate classification (germline): Uncertain significance (1 of 4 stars; one submission).

Conditions:
Arrhythmogenic right ventricular dysplasia 9 (ARVD9). Also called: Arrhythmogenic Right Ventricular Dysplasia/Cardiomyopathy 9; ARRHYTHMOGENIC RIGHT VENTRICULAR DYSPLASIA, FAMILIAL, 9. Identifiers: MedGen C1836906, MONDO:0012180, OMIM 609040.

Submission:

Labcorp Genetics (formerly Invitae), Labcorp
Classification: Uncertain significance for Arrhythmogenic right ventricular dysplasia 9. Last evaluated: 2025-09-09. Review status: criteria provided, single submitter. Criteria: Invitae Variant Classification Sherloc (09022015). Collection method: clinical testing. Allele origin: germline.
Comment: This sequence change replaces asparagine, which is neutral and polar, with lysine, which is basic and polar, at codon 464 of the PKP2 protein (p.Asn464Lys). This variant is not present in population databases (gnomAD no frequency). This variant has not been reported in the literature in individuals affected with PKP2-related conditions. An algorithm developed to predict the effect of missense changes on protein structure and function outputs the following: PolyPhen-2: "Benign". The lysine amino acid residue is found in multiple mammalian species, which suggests that this missense change does not adversely affect protein function. In summary, the available evidence is currently insufficient to determine the role of this variant in disease. Therefore, it has been classified as a Variant of Uncertain Significance.

NM_001005242.3(PKP2):c.1379-2095T>G

Gene: PKP2 (plakophilin 2; minus strand). Cytogenetic location: 12p11.21.
Variant type: single nucleotide variant.
Coding change: c.1379-2095T>G on transcript NM_001005242.3 (MANE Select); 2095 bases into the intron before coding-DNA position 1379, T replaced by G.
Molecular consequence: intron variant. On other transcripts: missense variant (2).
Genome position (GRCh38, 1-based): chr12:32,843,300, A>C on the plus strand (T>G on the coding strand, the complement: PKP2 is on the minus strand). VCF-style: chr12-32843300-A-C. GRCh37 (hg19) VCF-style: chr12-32996234-A-C.
Other names: c.1392T>G, p.Asn464Lys (NM_001407157.1, NM_004572.4); c.1379-2095T>G (NM_001407156.1, NM_001407155.1, NM_001407161.1); c.1052-2095T>G (NM_001407160.1, NM_001407159.1, NM_001407158.1 and 1 more transcripts); short protein forms N464K.
Identifiers: ClinVar variation 4725955 (VCV004725955.1).